The following is an entry in ClinVar:

ClinVar aggregate classification (germline): Uncertain significance (1 of 4 stars; one submission).

Conditions:
Hereditary cancer-predisposing syndrome. Also called: Neoplastic Syndromes, Hereditary; Tumor predisposition; Hereditary Cancer Syndrome; Hereditary neoplastic syndrome. Identifiers: Orphanet 140162, MedGen C0027672, MeSH D009386, MONDO:0015356.

Submission:

Ambry Genetics
Classification: Uncertain significance for Hereditary cancer-predisposing syndrome. Last evaluated: 2022-05-07. Review status: criteria provided, single submitter. Criteria: Ambry Variant Classification Scheme 2023. Collection method: clinical testing. Allele origin: germline.
Comment: The p.V233A variant (also known as c.698T>C), located in coding exon 5 of the POLD1 gene, results from a T to C substitution at nucleotide position 698. The valine at codon 233 is replaced by alanine, an amino acid with similar properties. This amino acid position is conserved. In addition, this alteration is predicted to be tolerated by in silico analysis. Since supporting evidence is limited at this time, the clinical significance of this alteration remains unclear.

NM_002691.4(POLD1):c.698T>C (p.Val233Ala)

Gene: POLD1 (DNA polymerase delta 1, catalytic subunit; plus strand). Cytogenetic location: 19q13.33.
Variant type: single nucleotide variant.
Coding change: c.698T>C on transcript NM_002691.4 (MANE Select); coding-DNA position 698, T replaced by C.
Protein change: p.Val233Ala; replaces valine 233 with alanine.
Molecular consequence: missense variant. On other transcripts: non-coding transcript variant (1).
Genome position (GRCh38, 1-based): chr19:50,402,313, T>C. VCF-style: chr19-50402313-T-C. GRCh37 (hg19) VCF-style: chr19-50905570-T-C.
Other names: c.698T>C, p.Val233Ala (NM_001256849.1, NM_001308632.1); short protein forms V233A.
Identifiers: ClinVar variation 1756470 (VCV001756470.2), dbSNP rs2513964067, ClinGen allele CA406974407.